The following is an entry in ClinVar:

NM_015631.6(TCTN3):c.159G>A (p.Ala53=)

Genes: TCTN3 (tectonic family member 3; minus strand), LOC130004408 (ATAC-STARR-seq lymphoblastoid active region 3801; plus strand). Cytogenetic location: 10q24.1.
Variant type: single nucleotide variant.
Coding change: c.159G>A on transcript NM_015631.6 (MANE Select); coding-DNA position 159, G replaced by A.
Protein change: p.Ala53=; no amino-acid change (alanine 53 retained).
Molecular consequence: synonymous variant.
Genome position (GRCh38, 1-based): chr10:95,693,741, C>T on the plus strand (G>A on the coding strand, the complement: TCTN3 is on the minus strand). VCF-style: chr10-95693741-C-T. GRCh37 (hg19) VCF-style: chr10-97453498-C-T.
Other names: c.159G>A, p.Ala53= (NM_001143973.2).
Identifiers: ClinVar variation 389004 (VCV000389004.11), dbSNP rs540555381, ClinGen allele CA5621201.
Genomic context (GRCh38, chr10:95,693,741, plus strand): 5'-GGGAGTCACGAGAGTAGGGACCACTGTAGGGAGTCCAGGCACGGCCGGGCGAGTTGCAGT[C>T]GCCTCTGAAGGGGACTGGAGGGTTCCGCCATCCGTCCCTCGCTGCAGCTCCAAAGACGTG-3'
Protein context (NP_056446.4, residues 43-63): DGGTLQSPSE[Ala53=]TATRPAVPGL

ClinVar aggregate classification (germline): Likely benign. Review status: criteria provided, multiple submitters, no conflicts (2 of 4 stars). 4 submissions from 4 submitters: Likely benign (4). Last evaluated 2026-09-23.

Conditions:
TCTN3-related disorder. Also called: TCTN3-related condition.
Joubert syndrome 18 (JBTS18). Identifiers: Orphanet 2754, MedGen C3553758, MONDO:0013896, OMIM 614815.
Orofacial-digital syndrome IV (OFD4). Also called: BARAITSER-BURN SYNDROME; OFD SYNDROME WITH TIBIAL DEFECTS; OFD SYNDROME, BARAITSER-BURN TYPE; OFDS IV; ORAL-FACIAL-DIGITAL SYNDROME, TYPE IV; Orofaciodigital syndrome IV. Identifiers: Orphanet 2753, MedGen C0406727, MONDO:0009794, OMIM 258860.

Allele frequency attached by ClinVar (database versions not stated): gnomAD exomes 0.00003; ExAC 0.00005; TOPMed 0.00010; gnomAD 0.00011 and 0.00012; 1000 Genomes Project 30x 0.00031; 1000 Genomes Project 0.00040.
gnomAD v4.1: 34 of 1,551,632 alleles (0.0022%); highest among the groups gnomAD compares: African/African-American, 0.027%; no homozygotes.

Submissions (4):

PreventionGenetics, part of Exact Sciences
Classification: Likely benign for TCTN3-related condition. Last evaluated: 2026-09-23. Review status: criteria provided, single submitter. Criteria: ACMG Guidelines, 2015. Collection method: clinical testing. Allele origin: germline.
Comment: This variant is classified as likely benign based on ACMG/AMP sequence variant interpretation guidelines (Richards et al. 2015 PMID: 25741868, with internal and published modifications).

Labcorp Genetics (formerly Invitae), Labcorp
Classification: Likely benign for Joubert syndrome 18; Orofacial-digital syndrome IV. Last evaluated: 2025-12-29. Review status: criteria provided, single submitter. Criteria: Invitae Variant Classification Sherloc (09022015). Collection method: clinical testing. Allele origin: germline.

Blueprint Genetics
Classification: Likely benign. Last evaluated: 2022-11-02. Review status: criteria provided, single submitter. Criteria: ACMG Guidelines, 2015. Collection method: clinical testing. Allele origin: germline.

GeneDx
Classification: Likely benign. Last evaluated: 2016-09-12. Review status: criteria provided, single submitter. Criteria: GeneDx Variant Classification (06012015). Collection method: clinical testing. Allele origin: germline. Affected: yes.
Comment: This variant is considered likely benign or benign based on one or more of the following criteria: it is a conservative change, it occurs at a poorly conserved position in the protein, it is predicted to be benign by multiple in silico algorithms, and/or has population frequency not consistent with disease.